The following is an entry in ClinVar:

NM_000548.5(TSC2):c.975+5G>T

Gene: TSC2 (TSC complex subunit 2; plus strand). Cytogenetic location: 16p13.3.
Variant type: single nucleotide variant.
Coding change: c.975+5G>T on transcript NM_000548.5 (MANE Select); 5 bases into the intron after coding-DNA position 975, G replaced by T.
Molecular consequence: intron variant.
Genome position (GRCh38, 1-based): chr16:2,058,878, G>T. VCF-style: chr16-2058878-G-T. GRCh37 (hg19) VCF-style: chr16-2108879-G-T.
Other names: c.975+5G>T (NM_001114382.3, NM_021055.3, NM_001370405.1 and 3 more transcripts); c.864+5G>T (NM_001318827.2); c.375+5G>T (NM_001318831.2); c.828+5G>T (NM_001318829.2); c.1008+5G>T (NM_001318832.2).
Identifiers: ClinVar variation 49889 (VCV000049889.3), dbSNP rs45458600, ClinGen allele CA023211.

ClinVar aggregate classification (germline): Uncertain significance. Review status: criteria provided, single submitter (1 of 4 stars). 2 submissions from 2 submitters: Uncertain significance (1). 1 of the submissions does not count toward it. Last evaluated 2025-08-20.

Conditions:
Tuberous sclerosis syndrome (TSC). Also called: Tuberous Sclerosis Complex; Tuberous sclerosis. Identifiers: Orphanet 805, MedGen C0041341, MONDO:0001734.

Allele frequency attached by ClinVar (database versions not stated): gnomAD exomes below 0.00001.
gnomAD v4.1: 1 of 1,606,730 alleles (0.000062%); highest among the groups gnomAD compares: Non-Finnish European, 0.000085%; no homozygotes.

Submissions (2):

Color Diagnostics, LLC DBA Color Health
Classification: Uncertain significance for Tuberous sclerosis syndrome. Last evaluated: 2025-08-20. Review status: criteria provided, single submitter. Criteria: ACMG Guidelines, 2015. Collection method: clinical testing. Allele origin: germline.
Comment: This variant causes a G to T nucleotide substitution at the +5 position of intron 10/41 of the TSC2 gene. Splice prediction tools suggest that this variant may not disrupt RNA splicing. To our knowledge, RNA studies have not been reported for this variant. This variant has been reported in an individuals affected with tuberous sclerosis complex, but designated as a polymorphism (PMID: 16114042). This variant has not been identified in the general population by the Genome Aggregation Database (gnomAD). The available evidence is insufficient to determine the role of this variant in disease conclusively. Therefore, this variant is classified as a Variant of Uncertain Significance.

Tuberous sclerosis database (TSC2)
No classification provided. Condition: TSC. Review status: no classification provided. Criteria: Tuberous Sclerosis Database Assertion Criteria 2015. Collection method: curation. Allele origin: germline. Affected: yes. Not counted in ClinVar's aggregate classification.

Literature cited by the submitters: PubMed 16114042 (cited by Color Diagnostics, LLC DBA Color Health).